The following is an entry in ClinVar:

NM_003242.6(TGFBR2):c.1289T>C (p.Leu430Pro)

Gene: TGFBR2 (transforming growth factor beta receptor 2; plus strand). Cytogenetic location: 3p24.1.
Variant type: single nucleotide variant.
Coding change: c.1289T>C on transcript NM_003242.6 (MANE Select); coding-DNA position 1289, T replaced by C.
Protein change: p.Leu430Pro; replaces leucine 430 with proline.
Molecular consequence: missense variant.
Genome position (GRCh38, 1-based): chr3:30,674,139, T>C. VCF-style: chr3-30674139-T-C. GRCh37 (hg19) VCF-style: chr3-30715631-T-C.
Other names: c.1364T>C, p.Leu455Pro (NM_001024847.3); c.1472T>C, p.Leu491Pro (NM_001407126.1); c.1397T>C, p.Leu466Pro (NM_001407127.1); c.1316T>C, p.Leu439Pro (NM_001407128.1); c.1292T>C, p.Leu431Pro (NM_001407129.1); c.1289T>C, p.Leu430Pro (NM_001407130.1); c.1184T>C, p.Leu395Pro (NM_001407132.1, NM_001407133.1, NM_001407134.1 and 2 more transcripts); c.1004T>C, p.Leu335Pro (NM_001407137.1); and 1 more; short protein forms L430P, L455P, L395P, L310P, L431P, L335P, L439P, L466P.
Identifiers: ClinVar variation 1308862 (VCV001308862.3), dbSNP rs1371233083, ClinGen allele CA351808934.

ClinVar aggregate classification (germline): Uncertain significance (1 of 4 stars; one submission).

Submission:

GeneDx
Classification: Uncertain significance. Last evaluated: 2019-09-26. Review status: criteria provided, single submitter. Criteria: GeneDx Variant Classification Process June 2021. Collection method: clinical testing. Allele origin: germline. Affected: yes.
Comment: Has not been previously published as pathogenic or benign to our knowledge; Not observed in large population cohorts (Lek et al., 2016); In silico analysis, which includes protein predictors and evolutionary conservation, supports a deleterious effect